The following is an entry in ClinVar:

ClinVar aggregate classification (germline): Uncertain significance (1 of 4 stars; one submission).

Conditions:
Dilated cardiomyopathy 1KK (CMD1KK). Identifiers: Orphanet 154, Orphanet 75249, MedGen C3714995, MONDO:0014100, OMIM 615248.

Allele frequency attached by ClinVar (database versions not stated): TOPMed below 0.00001.
gnomAD v4.1: 11 of 1,614,024 alleles (0.00068%); highest among the groups gnomAD compares: Non-Finnish European, 0.00093%; no homozygotes.

Submission:

Labcorp Genetics (formerly Invitae), Labcorp
Classification: Uncertain significance for Dilated cardiomyopathy 1KK. Last evaluated: 2021-06-30. Review status: criteria provided, single submitter. Criteria: Invitae Variant Classification Sherloc (09022015). Collection method: clinical testing. Allele origin: germline.
Comment: This sequence change replaces proline with leucine at codon 1101 of the MYPN protein (p.Pro1101Leu). The proline residue is weakly conserved and there is a moderate physicochemical difference between proline and leucine. This variant is not present in population databases (ExAC no frequency). This variant has not been reported in the literature in individuals affected with MYPN-related conditions. Algorithms developed to predict the effect of missense changes on protein structure and function (SIFT, PolyPhen-2, Align-GVGD) all suggest that this variant is likely to be tolerated. In summary, the available evidence is currently insufficient to determine the role of this variant in disease. Therefore, it has been classified as a Variant of Uncertain Significance.

NM_032578.4(MYPN):c.3302C>T (p.Pro1101Leu)

Gene: MYPN (myopalladin; plus strand). Cytogenetic location: 10q21.3.
Variant type: single nucleotide variant.
Coding change: c.3302C>T on transcript NM_032578.4 (MANE Select); coding-DNA position 3302, C replaced by T.
Protein change: p.Pro1101Leu; replaces proline 1101 with leucine.
Molecular consequence: missense variant. On other transcripts: non-coding transcript variant (2).
Genome position (GRCh38, 1-based): chr10:68,199,384, C>T. VCF-style: chr10-68199384-C-T. GRCh37 (hg19) VCF-style: chr10-69959141-C-T.
Other names: c.3302C>T, p.Pro1101Leu (NM_001256267.2); c.2420C>T, p.Pro807Leu (NM_001256268.2); short protein forms P807L, P1101L.
Identifiers: ClinVar variation 1378578 (VCV001378578.8), dbSNP rs2043669159, ClinGen allele CA376858915.